The following is an entry in ClinVar:

ClinVar aggregate classification (germline): Likely pathogenic (1 of 4 stars; one submission).

Conditions:
Microcephaly, short stature, and impaired glucose metabolism 1 (MSSGM1). Identifiers: Orphanet 391408, MedGen C4014997, MONDO:0000208, OMIM 616033.

Submission:

MGZ Medical Genetics Center
Classification: Likely pathogenic for Microcephaly, short stature, and impaired glucose metabolism 1. Last evaluated: 2022-06-22. Review status: criteria provided, single submitter. Criteria: ACMG Guidelines, 2015. Collection method: clinical testing. Allele origin: germline. Affected: yes. Observed: 1 variant allele.
Comment: ACMG criteria applied: PVS1, PM2_SUP

NM_001134665.3(TRMT10A):c.41del (p.Asn14fs)

Gene: TRMT10A (tRNA methyltransferase 10A; minus strand). Cytogenetic location: 4q23.
Variant type: Deletion.
Coding change: c.41del on transcript NM_001134665.3 (MANE Select); coding-DNA position 41, one base deleted (A; older notation c.41delA).
Protein change: p.Asn14fs; shifts the reading frame from asparagine 14.
Molecular consequence: frameshift variant.
Genome position (GRCh38, 1-based): chr4:99,559,298, T deleted on the plus strand (A on the coding strand, the reverse complement: TRMT10A is on the minus strand); the first of 2 consecutive T bases (chr4:99,559,298-99,559,299); deleting either gives the same sequence. VCF-style (leftmost placement, unchanged base first): chr4-99559297-AT-A. GRCh37 (hg19) VCF-style: chr4-100480454-AT-A.
Other names: c.41del, p.Asn14fs (NM_001134666.3, NM_001375880.1, NM_001375881.1 and 2 more transcripts); short protein forms N14fs.
Identifiers: ClinVar variation 1709365 (VCV001709365.2), dbSNP rs2476032136, ClinGen allele CA2580071923.